The following is an entry in ClinVar:

NM_177438.3(DICER1):c.5281G>A (p.Val1761Ile)

Gene: DICER1 (dicer 1, ribonuclease III; minus strand). Cytogenetic location: 14q32.13.
Variant type: single nucleotide variant.
Coding change: c.5281G>A on transcript NM_177438.3 (MANE Select); coding-DNA position 5281, G replaced by A.
Protein change: p.Val1761Ile; replaces valine 1761 with isoleucine.
Molecular consequence: missense variant.
Genome position (GRCh38, 1-based): chr14:95,093,971, C>T on the plus strand (G>A on the coding strand, the complement: DICER1 is on the minus strand). VCF-style: chr14-95093971-C-T. GRCh37 (hg19) VCF-style: chr14-95560308-C-T.
Other names: c.5281G>A, p.Val1761Ile (NM_001195573.1, NM_001271282.3, NM_001291628.2 and 1 more transcripts); short protein forms V1761I.
Identifiers: ClinVar variation 543580 (VCV000543580.14), dbSNP rs1555366740, ClinGen allele CA390865045.

ClinVar aggregate classification (germline): Uncertain significance. Review status: criteria provided, multiple submitters, no conflicts (2 of 4 stars). 2 submissions from 2 submitters: Uncertain significance (2). Last evaluated 2025-07-21.

Conditions:
DICER1-related tumor predisposition. Also called: DICER1-related pleuropulmonary blastoma cancer predisposition syndrome; DICER1 syndrome. Identifiers: Orphanet 284343, MedGen C3839822, MONDO:0100216.
Hereditary cancer-predisposing syndrome. Also called: Neoplastic Syndromes, Hereditary; Tumor predisposition; Hereditary Cancer Syndrome; Hereditary neoplastic syndrome. Identifiers: Orphanet 140162, MedGen C0027672, MeSH D009386, MONDO:0015356.

Submissions (2):

Labcorp Genetics (formerly Invitae), Labcorp
Classification: Uncertain significance for DICER1-related tumor predisposition. Last evaluated: 2025-07-21. Review status: criteria provided, single submitter. Criteria: Invitae Variant Classification Sherloc (09022015). Collection method: clinical testing. Allele origin: germline.
Comment: This sequence change replaces valine, which is neutral and non-polar, with isoleucine, which is neutral and non-polar, at codon 1761 of the DICER1 protein (p.Val1761Ile). This variant is not present in population databases (gnomAD no frequency). This variant has not been reported in the literature in individuals affected with DICER1-related conditions. ClinVar contains an entry for this variant (Variation ID: 543580). Invitae Evidence Modeling of protein sequence and biophysical properties (such as structural, functional, and spatial information, amino acid conservation, physicochemical variation, residue mobility, and thermodynamic stability) indicates that this missense variant is not expected to disrupt DICER1 protein function with a negative predictive value of 95%. In summary, the available evidence is currently insufficient to determine the role of this variant in disease. Therefore, it has been classified as a Variant of Uncertain Significance.

Ambry Genetics
Classification: Uncertain significance for Hereditary cancer-predisposing syndrome. Last evaluated: 2022-12-17. Review status: criteria provided, single submitter. Criteria: Ambry Variant Classification Scheme 2023. Collection method: clinical testing. Allele origin: germline.
Comment: The p.V1761I variant (also known as c.5281G>A), located in coding exon 23 of the DICER1 gene, results from a G to A substitution at nucleotide position 5281. The valine at codon 1761 is replaced by isoleucine, an amino acid with highly similar properties. This amino acid position is conserved. In addition, this alteration is predicted to be tolerated by in silico analysis. Since supporting evidence is limited at this time, the clinical significance of this alteration remains unclear.